The following is an entry in ClinVar:

NM_015272.5(RPGRIP1L):c.1150C>T (p.Gln384Ter)

Gene: RPGRIP1L (RPGRIP1 like; minus strand). Cytogenetic location: 16q12.2.
Variant type: single nucleotide variant.
Coding change: c.1150C>T on transcript NM_015272.5 (MANE Select); coding-DNA position 1150, C replaced by T.
Protein change: p.Gln384Ter; replaces glutamine 384 with a stop codon.
Molecular consequence: nonsense.
Genome position (GRCh38, 1-based): chr16:53,664,963, G>A on the plus strand (C>T on the coding strand, the complement: RPGRIP1L is on the minus strand). VCF-style: chr16-53664963-G-A. GRCh37 (hg19) VCF-style: chr16-53698875-G-A.
Other names: c.1150C>T, p.Gln384Ter (NM_001127897.4, NM_001308334.3, NM_001330538.2); c.1150C>T (NM_015272.4); short protein forms Q384*.
Identifiers: ClinVar variation 1445843 (VCV001445843.8), dbSNP rs1968112121, ClinGen allele CA395921653.
Genomic context (GRCh38, chr16:53,664,963, plus strand): 5'-TTTTGTCTGTTAAGTCAGACTTCAAGGCAGTCTCGAGCTGAGCAATCTGCACTTTCAGCT[G>A]TTGCTCCTTTAACTTCCATTGCTCTTCATGGGCAGCACTGAAGGCACTGCAAAACACACG-3'

ClinVar aggregate classification (germline): Pathogenic/Likely pathogenic. Review status: criteria provided, multiple submitters, no conflicts (2 of 4 stars). 3 submissions from 3 submitters: Pathogenic (1); Likely pathogenic (2). Last evaluated 2025-01-01.

Conditions:
Meckel-Gruber syndrome. Also called: Dysencephalia splachnocystica; DYSENCEPHALIA SPLANCHNOCYSTICA; GRUBER SYNDROME. Identifiers: Orphanet 564, MedGen C0265215, MONDO:0018921.
Joubert syndrome. Also called: Familial aplasia of the vermis; JOUBERT-BOLTSHAUSER SYNDROME. Identifiers: Orphanet 475, MedGen C5979921, MONDO:0018772.
RPGRIP1L-related disorder. Also called: RPGRIP1L-related disorders; RPGRIP1L-related condition. Identifiers: MedGen CN239416.

gnomAD v4.1: 6 of 1,613,582 alleles (0.00037%); highest among the groups gnomAD compares: Non-Finnish European, 0.00042%; no homozygotes.

Submissions (3):

Natera, Inc.
Classification: Likely pathogenic for Joubert syndrome. Last evaluated: 2025-01-01. Review status: criteria provided, single submitter. Criteria: Natera Variant Classification Schema (03/2026). Collection method: clinical testing. Allele origin: germline.
Comment: The c.1150C>T variant in RPGRIP1L is a nonsense variant predicted to introduce a stop codon at amino acid 384. This variant is expected to result in nonsense mediated decay, truncation, or a dysfunctional protein product. This variant is rare in the general population with a frequency below the threshold expected for the associated phenotype(s). Given the available evidence, this variant is classified as Likely Pathogenic.

Labcorp Genetics (formerly Invitae), Labcorp
Classification: Pathogenic for Joubert syndrome; Meckel-Gruber syndrome. Last evaluated: 2021-07-09. Review status: criteria provided, single submitter. Criteria: Invitae Variant Classification Sherloc (09022015). Collection method: clinical testing. Allele origin: germline.
Comment: For these reasons, this variant has been classified as Pathogenic. This variant has not been reported in the literature in individuals affected with RPGRIP1L-related conditions. This variant is not present in population databases (ExAC no frequency). This sequence change creates a premature translational stop signal (p.Gln384*) in the RPGRIP1L gene. It is expected to result in an absent or disrupted protein product. Loss-of-function variants in RPGRIP1L are known to be pathogenic (PMID: 17558409).

Blueprint Genetics
Classification: Likely pathogenic for RPGRIP1L-related disorders. Last evaluated: 2021-01-12. Review status: criteria provided, single submitter. Criteria: ACMG Guidelines, 2015. Collection method: clinical testing. Allele origin: germline. Affected: yes. Observed: 2 variant alleles.

Literature cited by the submitters: PubMed 17558409 (cited by Labcorp Genetics (formerly Invitae), Labcorp).